The following is an entry in ClinVar:

NM_000059.4(BRCA2):c.6726T>A (p.Asp2242Glu)

Gene: BRCA2 (BRCA2 DNA repair associated; plus strand). Cytogenetic location: 13q13.1.
Variant type: single nucleotide variant.
Coding change: c.6726T>A on transcript NM_000059.4 (MANE Select); coding-DNA position 6726, T replaced by A.
Protein change: p.Asp2242Glu; replaces aspartic acid 2242 with glutamic acid.
Molecular consequence: missense variant.
Genome position (GRCh38, 1-based): chr13:32,341,081, T>A. VCF-style: chr13-32341081-T-A. GRCh37 (hg19) VCF-style: chr13-32915218-T-A.
Other names: short protein forms D2242E.
Identifiers: ClinVar variation 952809 (VCV000952809.11), dbSNP rs2072563704, ClinGen allele CA387791054.

ClinVar aggregate classification (germline): Conflicting classifications of pathogenicity. Review status: criteria provided, conflicting classifications (1 of 4 stars). 2 submissions from 2 submitters: Uncertain significance (1); Likely benign (1). Last evaluated 2025-09-04.

Conditions:
Hereditary breast ovarian cancer syndrome. Also called: Hereditary breast and ovarian cancer; Hereditary breast and/or ovarian cancer syndrome; Hereditary breast and ovarian cancer syndrome; Hereditary breast and ovarian cancer syndrome (HBOC); BRCA1- and BRCA2-Associated Hereditary Breast and Ovarian Cancer; Breast and ovarian cancer. Identifiers: Orphanet 145, MedGen C0677776, MeSH D061325, MONDO:0003582. Disease mechanism: loss of function.
Hereditary cancer-predisposing syndrome. Also called: Tumor predisposition; Hereditary neoplastic syndrome; Neoplastic Syndromes, Hereditary; Hereditary Cancer Syndrome. Identifiers: Orphanet 140162, MedGen C0027672, MeSH D009386, MONDO:0015356.

Submissions (2):

Labcorp Genetics (formerly Invitae), Labcorp
Classification: Uncertain significance for Hereditary breast ovarian cancer syndrome. Last evaluated: 2025-09-04. Review status: criteria provided, single submitter. Criteria: Invitae Variant Classification Sherloc (09022015). Collection method: clinical testing. Allele origin: germline.
Comment: This sequence change replaces aspartic acid, which is acidic and polar, with glutamic acid, which is acidic and polar, at codon 2242 of the BRCA2 protein (p.Asp2242Glu). This variant is not present in population databases (gnomAD no frequency). This missense change has been observed in individual(s) with breast cancer (PMID: 25777348). ClinVar contains an entry for this variant (Variation ID: 952809). Invitae Evidence Modeling of protein sequence and biophysical properties (such as structural, functional, and spatial information, amino acid conservation, physicochemical variation, residue mobility, and thermodynamic stability) indicates that this missense variant is not expected to disrupt BRCA2 protein function with a negative predictive value of 95%. In summary, the available evidence is currently insufficient to determine the role of this variant in disease. Therefore, it has been classified as a Variant of Uncertain Significance.

University of Washington Department of Laboratory Medicine, University of Washington
Classification: Likely benign for Hereditary cancer-predisposing syndrome. Last evaluated: 2023-03-23. Review status: criteria provided, single submitter. Criteria: Dines et al. (Genet Med. 2020). Collection method: curation. Allele origin: germline.
Comment: Missense variant in a coldspot region where missense variants are very unlikely to be pathogenic (PMID:31911673).

BRCA2 exon 11 coldspot. Reclassification based on statistical prior probability.

Literature cited by the submitters: PubMed 25777348 (cited by Labcorp Genetics (formerly Invitae), Labcorp).